The following is an entry in ClinVar:

ClinVar aggregate classification (germline): Pathogenic/Likely pathogenic. Review status: criteria provided, multiple submitters, no conflicts (2 of 4 stars). 2 submissions from 2 submitters: Pathogenic (1); Likely pathogenic (1). Last evaluated 2025-04-08.

Conditions:
Kleefstra syndrome 1 (KLEFS1). Identifiers: Orphanet 261494, MedGen C0795833, MONDO:0027407, OMIM 610253.

Submissions (2):

Institute of Human Genetics, University of Leipzig Medical Center
Classification: Likely pathogenic for Kleefstra syndrome 1. Last evaluated: 2025-04-08. Review status: criteria provided, single submitter. Criteria: ACMG Guidelines, 2015. Collection method: clinical testing. Allele origin: unknown. Inheritance: Autosomal dominant inheritance. Affected: yes.
Comment: Criteria applied: PS2_MOD,PM2,PP2,PP3

Laboratory of Genetics, Children's Clinical University Hospital Latvia
Classification: Pathogenic for Kleefstra syndrome 1. Review status: criteria provided, single submitter. Criteria: ACMG Guidelines, 2015. Collection method: curation. Allele origin: de novo. Affected: yes.
Comment: de novo

Literature cited by the submitters: PubMed 39013458 (cited by Laboratory of Genetics, Children's Clinical University Hospital Latvia).

NM_024757.5(EHMT1):c.2333A>C (p.His778Pro)

Gene: EHMT1 (euchromatic histone lysine methyltransferase 1; plus strand). Cytogenetic location: 9q34.3.
Variant type: single nucleotide variant.
Coding change: c.2333A>C on transcript NM_024757.5 (MANE Select); coding-DNA position 2333, A replaced by C.
Protein change: p.His778Pro; replaces histidine 778 with proline.
Molecular consequence: missense variant.
Genome position (GRCh38, 1-based): chr9:137,782,348, A>C. VCF-style: chr9-137782348-A-C. GRCh37 (hg19) VCF-style: chr9-140676800-A-C.
Other names: c.2333A>C, p.His778Pro (NM_001145527.2); c.2240A>C, p.His747Pro (NM_001354259.2); c.2312A>C, p.His771Pro (NM_001354263.2); short protein forms H747P, H771P, H778P.
Identifiers: ClinVar variation 3236897 (VCV003236897.2).